The following is an entry in ClinVar:

ClinVar aggregate classification (germline): Uncertain significance (1 of 4 stars; one submission).

Allele frequency attached by ClinVar (database versions not stated): gnomAD 0.00003; TOPMed 0.00005; ESP Exome Variant Server 0.00008; gnomAD exomes 0.00010; ExAC 0.00013.
gnomAD v4.1: 91 of 1,613,574 alleles (0.0056%); highest among the groups gnomAD compares: Admixed American, 0.035%; no homozygotes.

Submission:

Labcorp Genetics (formerly Invitae), Labcorp
Classification: Uncertain significance. Last evaluated: 2024-03-20. Review status: criteria provided, single submitter. Criteria: Invitae Variant Classification Sherloc (09022015). Collection method: clinical testing. Allele origin: germline.
Comment: This sequence change replaces threonine, which is neutral and polar, with methionine, which is neutral and non-polar, at codon 3025 of the VCAN protein (p.Thr3025Met). This variant is present in population databases (rs367904766, gnomAD 0.04%), and has an allele count higher than expected for a pathogenic variant. This variant has not been reported in the literature in individuals affected with VCAN-related conditions. ClinVar contains an entry for this variant (Variation ID: 839840). An algorithm developed to predict the effect of missense changes on protein structure and function (PolyPhen-2) suggests that this variant is likely to be disruptive. In summary, the available evidence is currently insufficient to determine the role of this variant in disease. Therefore, it has been classified as a Variant of Uncertain Significance.

NM_004385.5(VCAN):c.9074C>T (p.Thr3025Met)

Genes: VCAN (versican; plus strand), VCAN-AS1 (VCAN antisense RNA 1; minus strand). Cytogenetic location: 5q14.3.
Variant type: single nucleotide variant.
Coding change: c.9074C>T on transcript NM_004385.5 (MANE Select); coding-DNA position 9074, C replaced by T.
Protein change: p.Thr3025Met; replaces threonine 3025 with methionine.
Molecular consequence: missense variant. On other transcripts: intron variant (2).
Genome position (GRCh38, 1-based): chr5:83,542,077, C>T. VCF-style: chr5-83542077-C-T. GRCh37 (hg19) VCF-style: chr5-82837896-C-T.
Other names: c.6113C>T, p.Thr2038Met (NM_001164097.2); c.4004-3460C>T (NM_001164098.2); c.1043-3460C>T (NM_001126336.3); short protein forms T3025M, T2038M.
Identifiers: ClinVar variation 839840 (VCV000839840.7), dbSNP rs367904766, ClinGen allele CA3333906.